The following is an entry in ClinVar:

NM_001377265.1(MAPT):c.220+2450A>G

Gene: MAPT (microtubule associated protein tau). Cytogenetic location: 17q21.31.
Variant type: single nucleotide variant.
Coding change: c.220+2450A>G on transcript NM_001377265.1 (MANE Select); 2450 bases into the intron after coding-DNA position 220, A replaced by G.
Molecular consequence: intron variant. On other transcripts: synonymous variant (4).
Genome position (GRCh38, 1-based): chr17:45,974,395, A>G. VCF-style: chr17-45974395-A-G. GRCh37 (hg19) VCF-style: chr17-44051761-A-G.
Other names: c.231A>G (NM_001123066.3); c.231A>G, p.Ala77= (NM_001123066.4, NM_001203252.2, NM_005910.6 and 1 more transcripts); c.134-3980A>G (NM_001377268.1, NM_016834.5, NM_016841.5); c.220+2450A>G (NM_001377266.1, NM_001123067.4, NM_001203251.2 and 1 more transcripts).
Identifiers: ClinVar variation 323642 (VCV000323642.10), dbSNP rs773274633, ClinGen allele CA8617582.

ClinVar aggregate classification (germline): Likely benign. Review status: criteria provided, multiple submitters, no conflicts (2 of 4 stars). 3 submissions from 3 submitters: Likely benign (2). 1 of the submissions does not count toward it. Last evaluated 2023-02-23.

Conditions:
MAPT-Related Spectrum Disorders.
MAPT-related disorder. Also called: MAPT-related condition; MAPT-Related Disorders.
Frontotemporal dementia (FTD1). Also called: FRONTOTEMPORAL DEMENTIA WITH PARKINSONISM; FRONTOTEMPORAL LOBE DEMENTIA; MULTIPLE SYSTEM TAUOPATHY WITH PRESENILE DEMENTIA; WILHELMSEN-LYNCH DISEASE; Frontotemporal lobe dementia (FLDEM); FRONTOTEMPORAL LOBAR DEGENERATION WITH TAU INCLUSIONS. Identifiers: Orphanet 282, MedGen C0338451, MONDO:0017276, OMIM 600274, HP:0002145.

Allele frequency attached by ClinVar (database versions not stated): gnomAD 0.00004; ExAC 0.00005; gnomAD exomes 0.00005; TOPMed 0.00005.
gnomAD v4.1: 81 of 1,607,270 alleles (0.005%); highest among the groups gnomAD compares: Non-Finnish European, 0.0067%; no homozygotes.

Submissions (3):

Labcorp Genetics (formerly Invitae), Labcorp
Classification: Likely benign for Frontotemporal dementia. Last evaluated: 2023-02-23. Review status: criteria provided, single submitter. Criteria: Invitae Variant Classification Sherloc (09022015). Collection method: clinical testing. Allele origin: germline.

Illumina Laboratory Services, Illumina
Classification: Likely benign for MAPT-Related Spectrum Disorders. Last evaluated: 2018-01-13. Review status: criteria provided, single submitter. Criteria: ICSL Variant Classification Criteria 13 December 2019. Collection method: clinical testing. Allele origin: germline.
Comment: This variant was observed in the ICSL laboratory as part of a predisposition screen in an ostensibly healthy population. It had not been previously curated by ICSL or reported in the Human Gene Mutation Database (HGMD: prior to June 1st, 2018), and was therefore a candidate for classification through an automated scoring system. Utilizing variant allele frequency, disease prevalence and penetrance estimates, and inheritance mode, an automated score was calculated to assess if this variant is too frequent to cause the disease. Based on the score and internal cut-off values, a variant classified as likely benign is not then subjected to further curation. The score for this variant resulted in a classification of likely benign for this disease.

PreventionGenetics, part of Exact Sciences
Classification: Likely benign for MAPT-related condition. Last evaluated: 2020-04-24. Review status: no assertion criteria provided. Collection method: clinical testing. Allele origin: germline. Not counted in ClinVar's aggregate classification.
Comment: This variant is classified as likely benign based on ACMG/AMP sequence variant interpretation guidelines (Richards et al. 2015 PMID: 25741868, with internal and published modifications).